The following is an entry in ClinVar:

ClinVar aggregate classification (germline): Likely benign (1 of 4 stars; one submission).

Submission:

CeGaT Center for Human Genetics Tuebingen
Classification: Likely benign. Last evaluated: 2023-02-01. Review status: criteria provided, single submitter. Criteria: CeGaT Center For Human Genetics Tuebingen Variant Classification Criteria Version 2. Collection method: clinical testing. Allele origin: germline. Affected: yes. Observed: 1 variant allele.
Comment: DNAH8: PM2:Supporting, BP4, BP7

NM_001206927.2(DNAH8):c.1134G>A (p.Glu378=)

Gene: DNAH8 (dynein axonemal heavy chain 8; plus strand). Cytogenetic location: 6p21.2.
Variant type: single nucleotide variant.
Coding change: c.1134G>A on transcript NM_001206927.2 (MANE Select); coding-DNA position 1134, G replaced by A.
Protein change: p.Glu378=; no amino-acid change (glutamic acid 378 retained).
Molecular consequence: synonymous variant.
Genome position (GRCh38, 1-based): chr6:38,741,728, G>A. VCF-style: chr6-38741728-G-A. GRCh37 (hg19) VCF-style: chr6-38709504-G-A.
Other names: c.483G>A, p.Glu161= (NM_001371.4).
Identifiers: ClinVar variation 2656528 (VCV002656528.24), dbSNP rs2534104082, ClinGen allele CA450000836.
Genomic context (GRCh38, chr6:38,741,728, plus strand): 5'-AGAATGTAACATTTCTATATTTTATAAATTTTTTTGACTGCAGGTACTTATTGAGAGTGA[G>A]CAGATGAGAAAAGAAGCTGGTGATTCAGGTCCACTCACTGAATTGGAACACTGGAAACGC-3'
Protein context (NP_001193856.1, residues 368-388): KQIEQVLIES[Glu378=]QMRKEAGDSG